The following is an entry in ClinVar:

ClinVar aggregate classification (germline): Likely benign. Review status: criteria provided, multiple submitters, no conflicts (2 of 4 stars). 2 submissions from 2 submitters: Likely benign (2). Last evaluated 2025-03-14.

Conditions:
Pheochromocytoma/paraganglioma syndrome 3. Also called: GLOMUS TUMORS, FAMILIAL, 3; SDHC-Related Hereditary Paraganglioma-Pheochromocytoma Syndrome; SDHC-Related Hereditary Paraganglioma-Pheochromocytoma Syndrome (Paragangliomas 3); Paragangliomas 3. Identifiers: Orphanet 29072, MedGen C1854336, MONDO:0011544, OMIM 605373.
Gastrointestinal stromal tumor. Also called: Gastrointestinal stroma tumor; Gastrointestinal stromal tumor, somatic. Identifiers: Orphanet 44890, MedGen C0238198, MeSH D046152, MONDO:0011719, OMIM 606764, HP:0100723.

Submissions (2):

Myriad Genetics, Inc.
Classification: Likely benign for Pheochromocytoma/paraganglioma syndrome 3. Last evaluated: 2025-03-14. Review status: criteria provided, single submitter. Criteria: Myriad Autosomal Dominant, Autosomal Recessive and X-Linked Classification Criteria (2023). Collection method: clinical testing. Allele origin: unknown.
Comment: This variant is considered likely benign. This variant is intronic and is not expected to impact mRNA splicing.

Labcorp Genetics (formerly Invitae), Labcorp
Classification: Likely benign for Pheochromocytoma/paraganglioma syndrome 3; Gastrointestinal stromal tumor. Last evaluated: 2023-05-20. Review status: criteria provided, single submitter. Criteria: Invitae Variant Classification Sherloc (09022015). Collection method: clinical testing. Allele origin: germline.

NM_003001.5(SDHC):c.77+9C>T

Gene: SDHC (succinate dehydrogenase complex subunit C; plus strand). Cytogenetic location: 1q23.3.
Variant type: single nucleotide variant.
Coding change: c.77+9C>T on transcript NM_003001.5 (MANE Select); 9 bases into the intron after coding-DNA position 77, C replaced by T.
Molecular consequence: intron variant.
Genome position (GRCh38, 1-based): chr1:161,323,679, C>T. VCF-style: chr1-161323679-C-T. GRCh37 (hg19) VCF-style: chr1-161293469-C-T.
Other names: c.-35+9C>T (NM_001407119.1); c.-153+9C>T (NM_001407120.1); c.77+9C>T (NM_001407115.1, NM_001035511.3, NM_001035512.3 and 2 more transcripts); c.21-4717C>T (NM_001407116.1, NM_001407121.1, NM_001407117.1); c.20+9254C>T (NM_001035513.3).
Identifiers: ClinVar variation 1668811 (VCV001668811.10), dbSNP rs2102295766, ClinGen allele CA2573131189.
Genomic context (GRCh38, chr1:161,323,679, plus strand): 5'-TTGGTCGTCATTGCCTCCGAGCCCACTTTAGCCCTCAGCTCTGTATCAGAAAGTAAGTTT[C>T]TAAGTCTGGAGATTATTTATTTATTTTTTTTTTTGAGACGGAGTCTCGCTCTGTCACCCA-3'